The following is an entry in ClinVar:

NM_000465.4(BARD1):c.159-11T>A

Gene: BARD1 (BRCA1 associated RING domain 1; minus strand). Cytogenetic location: 2q35.
Variant type: single nucleotide variant.
Coding change: c.159-11T>A on transcript NM_000465.4 (MANE Select); 11 bases into the intron before coding-DNA position 159, T replaced by A.
Molecular consequence: intron variant.
Genome position (GRCh38, 1-based): chr2:214,797,128, A>T on the plus strand (T>A on the coding strand, the complement: BARD1 is on the minus strand). VCF-style: chr2-214797128-A-T. GRCh37 (hg19) VCF-style: chr2-215661852-A-T.
Other names: c.158+12284T>A (NM_001282548.2); c.159-4683T>A (NM_001282543.2); c.159-11T>A (NM_001282545.2, NM_001282549.2).
Identifiers: ClinVar variation 3076196 (VCV003076196.1), dbSNP rs2469582454, ClinGen allele CA2825001084.

ClinVar aggregate classification (germline): Uncertain significance (1 of 4 stars; one submission).

Conditions:
Hereditary cancer-predisposing syndrome. Also called: Neoplastic Syndromes, Hereditary; Tumor predisposition; Hereditary neoplastic syndrome; Hereditary Cancer Syndrome. Identifiers: Orphanet 140162, MedGen C0027672, MeSH D009386, MONDO:0015356.

Submission:

Ambry Genetics
Classification: Uncertain significance for Hereditary cancer-predisposing syndrome. Last evaluated: 2015-02-26. Review status: criteria provided, single submitter. Criteria: Ambry Variant Classification Scheme 2023. Collection method: clinical testing. Allele origin: germline.
Comment: The c.159-11T>A intronic alteration consists of a T to A substitution 11 nucleotides before coding exon 2 in the BARD1 gene. Based on insufficient or conflicting evidence, the clinical significance of this alteration remains unclear.